The following is an entry in ClinVar:

ClinVar aggregate classification (germline): Uncertain significance. Review status: criteria provided, multiple submitters, no conflicts (2 of 4 stars). 2 submissions from 2 submitters: Uncertain significance (2). Last evaluated 2024-11-26.

Conditions:
Pyruvate dehydrogenase E3 deficiency (DLDD). Also called: DLD DEFICIENCY; E3 DEFICIENCY; Dihydrolipoamide Dehydrogenase E3 Deficiency; MAPLE SYRUP URINE DISEASE, TYPE III; Dihydrolipoamide Dehydrogenase (E3) Deficiency; Dihydrolipoamide Dehydrogenase Deficiency. Identifiers: Orphanet 2394, Orphanet 765, MedGen C5574660, MONDO:0009529, OMIM 246900.
Inborn genetic diseases. Identifiers: MedGen C0950123, MeSH D030342.

Allele frequency attached by ClinVar (database versions not stated): gnomAD exomes 0.00001; gnomAD 0.00003; ExAC 0.00005; TOPMed 0.00006.

Submissions (2):

Ambry Genetics
Classification: Uncertain significance for Inborn genetic diseases. Last evaluated: 2024-11-26. Review status: criteria provided, single submitter. Criteria: Ambry Variant Classification Scheme 2023. Collection method: clinical testing. Allele origin: germline.

Labcorp Genetics (formerly Invitae), Labcorp
Classification: Uncertain significance for Pyruvate dehydrogenase E3 deficiency. Last evaluated: 2022-07-15. Review status: criteria provided, single submitter. Criteria: Invitae Variant Classification Sherloc (09022015). Collection method: clinical testing. Allele origin: germline.
Comment: This sequence change replaces alanine, which is neutral and non-polar, with valine, which is neutral and non-polar, at codon 295 of the DLD protein (p.Ala295Val). This variant is present in population databases (rs753509449, gnomAD 0.03%). This variant has not been reported in the literature in individuals affected with DLD-related conditions. Algorithms developed to predict the effect of missense changes on protein structure and function (SIFT, PolyPhen-2, Align-GVGD) all suggest that this variant is likely to be tolerated. In summary, the available evidence is currently insufficient to determine the role of this variant in disease. Therefore, it has been classified as a Variant of Uncertain Significance.

NM_000108.5(DLD):c.884C>T (p.Ala295Val)

Gene: DLD (dihydrolipoamide dehydrogenase; plus strand). Cytogenetic location: 7q31.1.
Variant type: single nucleotide variant.
Coding change: c.884C>T on transcript NM_000108.5 (MANE Select); coding-DNA position 884, C replaced by T.
Protein change: p.Ala295Val; replaces alanine 295 with valine.
Molecular consequence: missense variant.
Genome position (GRCh38, 1-based): chr7:107,916,802, C>T. VCF-style: chr7-107916802-C-T. GRCh37 (hg19) VCF-style: chr7-107557247-C-T.
Other names: c.587C>T, p.Ala196Val (NM_001289750.1); c.815C>T, p.Ala272Val (NM_001289751.1); c.740C>T, p.Ala247Val (NM_001289752.1); c.884C>T (NM_000108.3); short protein forms A196V, A247V, A295V, A272V.
Identifiers: ClinVar variation 2165829 (VCV002165829.3), dbSNP rs753509449, ClinGen allele CA4434590.